The following is an entry in ClinVar:

ClinVar aggregate classification (germline): Conflicting classifications of pathogenicity. Review status: criteria provided, conflicting classifications (1 of 4 stars). 9 submissions from 7 submitters: Uncertain significance (1); Benign (4); Likely benign (3). 1 of the submissions does not count toward it. Last evaluated 2026-02-04.

Conditions:
Usher syndrome type 1 (USH1). Also called: RETINITIS PIGMENTOSA AND CONGENITAL DEAFNESS. Identifiers: Orphanet 231169, Orphanet 886, MedGen C1568247, MONDO:0010168, OMIM 276900.
Usher syndrome type 1D (USH1D). Also called: USHER SYNDROME, TYPE ID. Identifiers: Orphanet 231169, Orphanet 886, MedGen C1832845, MONDO:0010984, OMIM 601067.
Autosomal recessive nonsyndromic hearing loss 12. Also called: DEAFNESS, AUTOSOMAL RECESSIVE 12. Identifiers: Orphanet 90636, MedGen C1832394, MONDO:0011067, OMIM 601386.

Allele frequency attached by ClinVar (database versions not stated): TOPMed 0.00634; 1000 Genomes Project 0.00659; 1000 Genomes Project 30x 0.00671; gnomAD 0.00677 and 0.00731; ESP Exome Variant Server 0.00819; gnomAD exomes 0.00907 and 0.01001; ExAC 0.01439.
gnomAD v4.1: 15,466 of 1,591,622 alleles (0.97%); highest among the groups gnomAD compares: South Asian, 2.4%; 124 homozygotes.

Submissions (9):

Labcorp Genetics (formerly Invitae), Labcorp
Classification: Benign. Last evaluated: 2026-02-04. Review status: criteria provided, single submitter. Criteria: Invitae Variant Classification Sherloc (09022015). Collection method: clinical testing. Allele origin: germline.

Genome-Nilou Lab
Classification: Likely benign for Autosomal recessive nonsyndromic hearing loss 12. Last evaluated: 2021-07-01. Review status: criteria provided, single submitter. Criteria: ACMG Guidelines, 2015. Collection method: clinical testing. Allele origin: germline. Affected: no.

Genome-Nilou Lab
Classification: Likely benign for Usher syndrome type 1D. Last evaluated: 2021-05-18. Review status: criteria provided, single submitter. Criteria: ACMG Guidelines, 2015. Collection method: clinical testing. Allele origin: germline. Affected: no.

Athena Diagnostics
Classification: Benign. Last evaluated: 2019-12-05. Review status: criteria provided, single submitter. Criteria: Athena Diagnostics Criteria. Collection method: clinical testing. Allele origin: unknown.

GeneDx
Classification: Benign. Last evaluated: 2018-06-28. Review status: criteria provided, single submitter. Criteria: GeneDx Variant Classification Process June 2021. Collection method: clinical testing. Allele origin: germline. Affected: yes.
Comment: This variant is associated with the following publications: (PMID: 21569298, 20146813, 12075507, 18429043, 11138009)

Illumina Laboratory Services, Illumina
Classification: Likely benign for Usher syndrome type 1D. Last evaluated: 2018-01-13. Review status: criteria provided, single submitter. Criteria: ICSL Variant Classification Criteria 13 December 2019. Collection method: clinical testing. Allele origin: germline.
Comment: This variant was observed in the ICSL laboratory as part of a predisposition screen in an ostensibly healthy population. It had not been previously curated by ICSL or reported in the Human Gene Mutation Database (HGMD: prior to June 1st, 2018), and was therefore a candidate for classification through an automated scoring system. Utilizing variant allele frequency, disease prevalence and penetrance estimates, and inheritance mode, an automated score was calculated to assess if this variant is too frequent to cause the disease. Based on the score and internal cut-off values, a variant classified as likely benign is not then subjected to further curation. The score for this variant resulted in a classification of likely benign for this disease.

Illumina Laboratory Services, Illumina
Classification: Uncertain significance for Autosomal recessive nonsyndromic hearing loss 12. Last evaluated: 2018-01-13. Review status: criteria provided, single submitter. Criteria: ICSL Variant Classification Criteria 13 December 2019. Collection method: clinical testing. Allele origin: germline.

Laboratory for Molecular Medicine, Mass General Brigham Personalized Medicine
Classification: Benign. Last evaluated: 2011-10-17. Review status: criteria provided, single submitter. Criteria: LMM Criteria. Collection method: clinical testing. Allele origin: germline. Observed: 30 variant alleles.
Comment: Glu2588Gln in exon 55 of CDH23: This variant is not expected to have clinical si gnificance due to its occurrence at an equal frequency in the general population (Astuto 2002, Oshima 2008, Kothiyal 2010), its presence in dbSNP at a frequency of 0.9% (8/899) of control chromosomes (rs41281338), and the lack of conservati on of Glu2588 as cow, dog, cat, and opossum all have a glutamine (Gln) at this p osition.

Natera, Inc.
Classification: Benign for Usher syndrome type 1. Last evaluated: 2019-11-27. Review status: no assertion criteria provided. Collection method: clinical testing. Allele origin: germline. Not counted in ClinVar's aggregate classification.

Literature cited by the submitters: PubMed 21569298 (cited by Athena Diagnostics); PubMed 20146813 (cited by Athena Diagnostics and Laboratory for Molecular Medicine, Mass General Brigham Personalized Medicine); PubMed 18429043 (cited by Athena Diagnostics and Laboratory for Molecular Medicine, Mass General Brigham Personalized Medicine); PubMed 12075507 (cited by Athena Diagnostics and Laboratory for Molecular Medicine, Mass General Brigham Personalized Medicine).

NM_022124.6(CDH23):c.7762G>C (p.Glu2588Gln)

Gene: CDH23 (cadherin related 23; plus strand). Cytogenetic location: 10q22.1.
Variant type: single nucleotide variant.
Coding change: c.7762G>C on transcript NM_022124.6 (MANE Select); coding-DNA position 7762, G replaced by C.
Protein change: p.Glu2588Gln; replaces glutamic acid 2588 with glutamine.
Molecular consequence: missense variant.
Genome position (GRCh38, 1-based): chr10:71,803,310, G>C. VCF-style: chr10-71803310-G-C. GRCh37 (hg19) VCF-style: chr10-73563067-G-C.
Other names: c.1042G>C, p.Glu348Gln (NM_001171933.1, NM_001171934.1); short protein forms E2588Q, E348Q.
Identifiers: ClinVar variation 46038 (VCV000046038.24), dbSNP rs41281338, ClinGen allele CA137583.